The following is an entry in ClinVar:

NM_000045.4(ARG1):c.292G>A (p.Gly98Ser)

Genes: ARG1 (arginase 1; plus strand), MED23 (mediator complex subunit 23; minus strand). Cytogenetic location: 6q23.2.
Variant type: single nucleotide variant.
Coding change: c.292G>A on transcript NM_000045.4 (MANE Select); coding-DNA position 292, G replaced by A.
Protein change: p.Gly98Ser; replaces glycine 98 with serine.
Molecular consequence: missense variant. On other transcripts: non-coding transcript variant (1), intron variant (2).
Genome position (GRCh38, 1-based): chr6:131,579,272, G>A. VCF-style: chr6-131579272-G-A. GRCh37 (hg19) VCF-style: chr6-131900412-G-A.
Other names: c.316G>A, p.Gly106Ser (NM_001244438.2); c.292G>A, p.Gly98Ser (NM_001369020.1); c.4078-4977C>T (NM_001270521.2); c.4096-4977C>T (NM_015979.4); short protein forms G106S, G98S.
Identifiers: ClinVar variation 1394327 (VCV001394327.8), dbSNP rs1251633225, ClinGen allele CA365650827.

ClinVar aggregate classification (germline): Uncertain significance (1 of 4 stars; one submission).

Conditions:
Arginase deficiency. Also called: ARGININEMIA; ARG1 DEFICIENCY; Arginase 1 Deficiency. Identifiers: Orphanet 90, MedGen C0268548, MONDO:0008814, OMIM 207800.

Allele frequency attached by ClinVar (database versions not stated): gnomAD exomes below 0.00001; TOPMed below 0.00001; gnomAD 0.00001.
gnomAD v4.1: 15 of 1,613,912 alleles (0.00093%); highest among the groups gnomAD compares: African/African-American, 0.0013%; no homozygotes.

Submission:

Labcorp Genetics (formerly Invitae), Labcorp
Classification: Uncertain significance for Arginase deficiency. Last evaluated: 2024-01-08. Review status: criteria provided, single submitter. Criteria: Invitae Variant Classification Sherloc (09022015). Collection method: clinical testing. Allele origin: germline.
Comment: This sequence change replaces glycine, which is neutral and non-polar, with serine, which is neutral and polar, at codon 98 of the ARG1 protein (p.Gly98Ser). This variant is present in population databases (no rsID available, gnomAD 0.0009%). This missense change has been observed in individual(s) with arginase deficiency (PMID: 21802329; Invitae). ClinVar contains an entry for this variant (Variation ID: 1394327). Advanced modeling of protein sequence and biophysical properties (such as structural, functional, and spatial information, amino acid conservation, physicochemical variation, residue mobility, and thermodynamic stability) performed at Invitae indicates that this missense variant is expected to disrupt ARG1 protein function with a positive predictive value of 80%. In summary, the available evidence is currently insufficient to determine the role of this variant in disease. Therefore, it has been classified as a Variant of Uncertain Significance.

Literature cited by the submitters: PubMed 21802329.